The following is an entry in ClinVar:

ClinVar aggregate classification (germline): Uncertain significance. Review status: criteria provided, multiple submitters, no conflicts (2 of 4 stars). 2 submissions from 2 submitters: Uncertain significance (2). Last evaluated 2025-05-29.

Conditions:
Hereditary cancer-predisposing syndrome. Also called: Tumor predisposition; Hereditary neoplastic syndrome; Neoplastic Syndromes, Hereditary; Hereditary Cancer Syndrome. Identifiers: Orphanet 140162, MedGen C0027672, MeSH D009386, MONDO:0015356.
Retinoblastoma (RB1). Also called: RETINOBLASTOMA, SOMATIC. Identifiers: Orphanet 790, MedGen C0035335, MeSH D012175, MONDO:0008380, OMIM 180200, HP:0009919. Disease mechanism: loss of function. Inheritance: Both sporadic and heritable forms are tested..

Allele frequency attached by ClinVar (database versions not stated): gnomAD exomes below 0.00001; gnomAD 0.00001.
gnomAD v4.1: 2 of 1,612,470 alleles (0.00012%); highest among the groups gnomAD compares: Non-Finnish European, 0.00017%; no homozygotes.

Submissions (2):

Ambry Genetics
Classification: Uncertain significance for Hereditary cancer-predisposing syndrome. Last evaluated: 2025-05-29. Review status: criteria provided, single submitter. Criteria: Ambry Variant Classification Scheme 2023. Collection method: clinical testing. Allele origin: germline.
Comment: The p.D210E variant (also known as c.630T>A), located in coding exon 7 of the RB1 gene, results from a T to A substitution at nucleotide position 630. The aspartic acid at codon 210 is replaced by glutamic acid, an amino acid with highly similar properties. This amino acid position is highly conserved in available vertebrate species. In addition, the in silico prediction for this alteration is inconclusive. Based on the available evidence, the clinical significance of this variant remains unclear.

Labcorp Genetics (formerly Invitae), Labcorp
Classification: Uncertain significance for Retinoblastoma. Last evaluated: 2025-05-25. Review status: criteria provided, single submitter. Criteria: Invitae Variant Classification Sherloc (09022015). Collection method: clinical testing. Allele origin: germline.
Comment: This sequence change replaces aspartic acid, which is acidic and polar, with glutamic acid, which is acidic and polar, at codon 210 of the RB1 protein (p.Asp210Glu). This variant is not present in population databases (gnomAD no frequency). This variant has not been reported in the literature in individuals affected with RB1-related conditions. ClinVar contains an entry for this variant (Variation ID: 951287). Invitae Evidence Modeling of protein sequence and biophysical properties (such as structural, functional, and spatial information, amino acid conservation, physicochemical variation, residue mobility, and thermodynamic stability) indicates that this missense variant is not expected to disrupt RB1 protein function with a negative predictive value of 80%. In summary, the available evidence is currently insufficient to determine the role of this variant in disease. Therefore, it has been classified as a Variant of Uncertain Significance.

NM_000321.3(RB1):c.630T>A (p.Asp210Glu)

Gene: RB1 (RB transcriptional corepressor 1; plus strand). Cytogenetic location: 13q14.2.
Variant type: single nucleotide variant.
Coding change: c.630T>A on transcript NM_000321.3 (MANE Select); coding-DNA position 630, T replaced by A.
Protein change: p.Asp210Glu; replaces aspartic acid 210 with glutamic acid.
Molecular consequence: missense variant.
Genome position (GRCh38, 1-based): chr13:48,360,039, T>A. VCF-style: chr13-48360039-T-A. GRCh37 (hg19) VCF-style: chr13-48934175-T-A.
Other names: short protein forms D210E.
Identifiers: ClinVar variation 951287 (VCV000951287.13), dbSNP rs1952625286, ClinGen allele CA388158175.